The following is an entry in ClinVar:

ClinVar aggregate classification (germline): Likely benign. Review status: criteria provided, single submitter (1 of 4 stars). 2 submissions from 2 submitters: Likely benign (1). 1 of the submissions does not count toward it. Last evaluated 2025-11-01.

Conditions:
MYO5A-related disorder. Also called: MYO5A-related condition.

gnomAD v4.1: 47 of 1,614,104 alleles (0.0029%); highest among the groups gnomAD compares: Middle Eastern, 0.016%; no homozygotes.

Submissions (2):

CeGaT Center for Human Genetics Tuebingen
Classification: Likely benign. Last evaluated: 2025-11-01. Review status: criteria provided, single submitter. Criteria: CeGaT Center For Human Genetics Tuebingen Variant Classification Criteria Version 2. Collection method: clinical testing. Allele origin: germline. Affected: yes. Observed: 1 variant allele.
Comment: MYO5A: BP4, BP7

PreventionGenetics, part of Exact Sciences
Classification: Likely benign for MYO5A-related condition. Last evaluated: 2019-10-25. Review status: no assertion criteria provided. Collection method: clinical testing. Allele origin: germline. Not counted in ClinVar's aggregate classification.
Comment: This variant is classified as likely benign based on ACMG/AMP sequence variant interpretation guidelines (Richards et al. 2015 PMID: 25741868, with internal and published modifications).

NM_001382347.1(MYO5A):c.3732C>T (p.Ala1244=)

Gene: MYO5A (myosin VA; minus strand). Cytogenetic location: 15q21.2.
Variant type: single nucleotide variant.
Coding change: c.3732C>T on transcript NM_001382347.1 (MANE Select); coding-DNA position 3732, C replaced by T.
Protein change: p.Ala1244=; no amino-acid change (alanine 1244 retained).
Molecular consequence: synonymous variant.
Genome position (GRCh38, 1-based): chr15:52,351,371, G>A on the plus strand (C>T on the coding strand, the complement: MYO5A is on the minus strand). VCF-style: chr15-52351371-G-A. GRCh37 (hg19) VCF-style: chr15-52643568-G-A.
Other names: c.3732C>T, p.Ala1244= (NM_000259.3, NM_001142495.2, NM_001411135.1); c.3804C>T, p.Ala1268= (NM_001382348.1, NM_001382349.1).
Identifiers: ClinVar variation 3353514 (VCV003353514.7).